The following is an entry in ClinVar:

ClinVar aggregate classification (germline): Uncertain significance (1 of 4 stars; one submission).

Conditions:
Congenital myasthenic syndrome 9. Also called: Myasthenic syndrome, congenital, 9, associated with acetylcholine receptor deficiency. Identifiers: Orphanet 590, MedGen C4225368, MONDO:0014587, OMIM 616325.
Fetal akinesia deformation sequence 1 (FADS1). Also called: Pena-Shokeir syndrome type I; Fetal akinesia sequence. Identifiers: Orphanet 994, MedGen C1276035, MONDO:0100101, OMIM 208150, HP:0001989.

Allele frequency attached by ClinVar (database versions not stated): TOPMed below 0.00001.
gnomAD v4.1: 1 of 1,613,702 alleles (0.000062%); highest among the groups gnomAD compares: Non-Finnish European, 0.000085%; no homozygotes.

Submission:

Labcorp Genetics (formerly Invitae), Labcorp
Classification: Uncertain significance for Congenital myasthenic syndrome 9; Fetal akinesia deformation sequence 1. Last evaluated: 2021-09-01. Review status: criteria provided, single submitter. Criteria: Invitae Variant Classification Sherloc (09022015). Collection method: clinical testing. Allele origin: germline.
Comment: This sequence change replaces leucine with valine at codon 87 of the MUSK protein (p.Leu87Val). The leucine residue is highly conserved and there is a small physicochemical difference between leucine and valine. This variant is not present in population databases (ExAC no frequency). This variant has not been reported in the literature in individuals affected with MUSK-related conditions. ClinVar contains an entry for this variant (Variation ID: 476144). Algorithms developed to predict the effect of missense changes on protein structure and function (SIFT, PolyPhen-2, Align-GVGD) all suggest that this variant is likely to be tolerated. Algorithms developed to predict the effect of sequence changes on RNA splicing suggest that this variant may create or strengthen a splice site. In summary, the available evidence is currently insufficient to determine the role of this variant in disease. Therefore, it has been classified as a Variant of Uncertain Significance.

NM_005592.4(MUSK):c.259C>G (p.Leu87Val)

Gene: MUSK (muscle associated receptor tyrosine kinase; plus strand). Cytogenetic location: 9q31.3.
Variant type: single nucleotide variant.
Coding change: c.259C>G on transcript NM_005592.4 (MANE Select); coding-DNA position 259, C replaced by G.
Protein change: p.Leu87Val; replaces leucine 87 with valine.
Molecular consequence: missense variant.
Genome position (GRCh38, 1-based): chr9:110,687,169, C>G. VCF-style: chr9-110687169-C-G. GRCh37 (hg19) VCF-style: chr9-113449449-C-G.
Other names: c.259C>G, p.Leu87Val (NM_001166280.2, NM_001166281.2); short protein forms L87V.
Identifiers: ClinVar variation 476144 (VCV000476144.6), dbSNP rs1198739112, ClinGen allele CA374664355.